The following is an entry in ClinVar:

NM_001042545.2(LTBP4):c.3791G>C (p.Gly1264Ala)

Gene: LTBP4 (latent transforming growth factor beta binding protein 4; plus strand). Cytogenetic location: 19q13.2.
Variant type: single nucleotide variant.
Coding change: c.3791G>C on transcript NM_001042545.2 (MANE Select); coding-DNA position 3791, G replaced by C.
Protein change: p.Gly1264Ala; replaces glycine 1264 with alanine.
Molecular consequence: missense variant.
Genome position (GRCh38, 1-based): chr19:40,624,041, G>C. VCF-style: chr19-40624041-G-C. GRCh37 (hg19) VCF-style: chr19-41129946-G-C.
Other names: c.3992G>C, p.Gly1331Ala (NM_001042544.1); c.3881G>C, p.Gly1294Ala (NM_003573.2); short protein forms G1294A, G1264A, G1331A.
Identifiers: ClinVar variation 1371865 (VCV001371865.3), dbSNP rs760319218, ClinGen allele CA9449130.
Genomic context (GRCh38, chr19:40,624,041, plus strand): 5'-GCTGTGTCAACACTGTGGGCTCTTATCACTGTACCTGCGAGCCCCCACTGGTGCTGGATG[G>C]CTCGCAGCGCCGCTGCGTCTCCAACGAGAGCCAGAGCCTCGGTAACCCCGCCCACGCCAT-3'
Protein context (NP_001036010.1, residues 1254-1274): CTCEPPLVLD[Gly1264Ala]SQRRCVSNES

ClinVar aggregate classification (germline): Uncertain significance (1 of 4 stars; one submission).

Allele frequency attached by ClinVar (database versions not stated): TOPMed 0.00002; ExAC 0.00003; gnomAD 0.00003 and 0.00004; gnomAD exomes 0.00003.
gnomAD v4.1: 46 of 1,595,266 alleles (0.0029%); highest among the groups gnomAD compares: Non-Finnish European, 0.0039%; no homozygotes.

Submission:

Labcorp Genetics (formerly Invitae), Labcorp
Classification: Uncertain significance. Last evaluated: 2021-12-20. Review status: criteria provided, single submitter. Criteria: Invitae Variant Classification Sherloc (09022015). Collection method: clinical testing. Allele origin: germline.
Comment: This sequence change replaces glycine, which is neutral and non-polar, with alanine, which is neutral and non-polar, at codon 1294 of the LTBP4 protein (p.Gly1294Ala). This variant is present in population databases (rs760319218, gnomAD 0.007%). This variant has not been reported in the literature in individuals affected with LTBP4-related conditions. Experimental studies and prediction algorithms are not available or were not evaluated, and the functional significance of this variant is currently unknown. In summary, the available evidence is currently insufficient to determine the role of this variant in disease. Therefore, it has been classified as a Variant of Uncertain Significance.